The following is an entry in ClinVar:

ClinVar aggregate classification (germline): Pathogenic/Likely pathogenic. Review status: criteria provided, multiple submitters, no conflicts (2 of 4 stars). 2 submissions from 2 submitters: Pathogenic (1); Likely pathogenic (1). Last evaluated 2023-04-12.

Conditions:
Otospondylomegaepiphyseal dysplasia, autosomal dominant (OSMEDA). Also called: Stickler syndrome, type 3; Pierre Robin syndrome with fetal chondrodysplasia; COL11A2-Related Stickler Syndrome. Identifiers: Orphanet 166100, Orphanet 3450, MedGen C1848488, MONDO:0008490, OMIM 184840.

Submissions (2):

Labcorp Genetics (formerly Invitae), Labcorp
Classification: Pathogenic. Last evaluated: 2023-04-12. Review status: criteria provided, single submitter. Criteria: Invitae Variant Classification Sherloc (09022015). Collection method: clinical testing. Allele origin: germline.
Comment: For these reasons, this variant has been classified as Pathogenic. ClinVar contains an entry for this variant (Variation ID: 1334054). This variant has not been reported in the literature in individuals affected with COL11A2-related conditions. This variant is not present in population databases (gnomAD no frequency). This sequence change creates a premature translational stop signal (p.Pro897Leufs*87) in the COL11A2 gene. It is expected to result in an absent or disrupted protein product. Loss-of-function variants in COL11A2 are known to be pathogenic (PMID: 10677296, 21204229).

CENTOGENE GmbH and LLC - Guiding Precision Medicine
Classification: Likely pathogenic for Otospondylomegaepiphyseal dysplasia, autosomal dominant. Last evaluated: 2019-07-04. Review status: criteria provided, single submitter. Criteria: ACMG Guidelines, 2015. Collection method: clinical testing. Allele origin: germline.

Literature cited by the submitters: PubMed 10677296 (cited by Labcorp Genetics (formerly Invitae), Labcorp); PubMed 21204229 (cited by Labcorp Genetics (formerly Invitae), Labcorp).

NM_080680.3(COL11A2):c.2690del (p.Pro897fs)

Gene: COL11A2 (collagen type XI alpha 2 chain; minus strand). Cytogenetic location: 6p21.32.
Variant type: Deletion.
Coding change: c.2690del on transcript NM_080680.3 (MANE Select); coding-DNA position 2690, one base deleted (C; older notation c.2690delC).
Protein change: p.Pro897fs; shifts the reading frame from proline 897.
Molecular consequence: frameshift variant.
Genome position (GRCh38, 1-based): chr6:33,173,394, G deleted on the plus strand (C on the coding strand, the reverse complement: COL11A2 is on the minus strand); the first of 6 consecutive G bases (chr6:33,173,394-33,173,399); deleting any one gives the same sequence. VCF-style (leftmost placement, unchanged base first): chr6-33173393-AG-A. GRCh37 (hg19) VCF-style: chr6-33141170-AG-A.
Other names: c.2369del, p.Pro790fs (NM_080679.3); c.2432del, p.Pro811fs (NM_080681.3); short protein forms P790fs, P811fs, P897fs.
Identifiers: ClinVar variation 1334054 (VCV001334054.4), dbSNP rs2150555528, ClinGen allele CA566428714.
Genomic context (GRCh38, chr6:33,173,393, plus strand): 5'-AGGAGCATCACTCACCACTTCTCCTCTTTGGCCTGGGTGTCCCGGCAGCCCATCCTTCCC[AG>A]GGGGGCCCTGGAAGGGGTTCAGTTGTCAGGTGAACTCTCAGCTGGAAAGCAGGTAGGGAA-3'